The following is an entry in ClinVar:

ClinVar aggregate classification (germline): Pathogenic (1 of 4 stars; one submission).

Conditions:
Pyruvate dehydrogenase E3 deficiency (DLDD). Also called: DLD DEFICIENCY; E3 DEFICIENCY; Dihydrolipoamide Dehydrogenase E3 Deficiency; Lipoamide dehydrogenase deficiency; Dihydrolipoamide Dehydrogenase (E3) Deficiency; Lipoamide dehydrogenase deficiency, lactic acidosis due to. Identifiers: Orphanet 2394, Orphanet 765, MedGen C5574660, MONDO:0009529, OMIM 246900.

Submission:

Labcorp Genetics (formerly Invitae), Labcorp
Classification: Pathogenic for Pyruvate dehydrogenase E3 deficiency. Last evaluated: 2019-02-11. Review status: criteria provided, single submitter. Criteria: Invitae Variant Classification Sherloc (09022015). Collection method: clinical testing. Allele origin: germline.
Comment: This sequence change creates a premature translational stop signal (p.Trp4*) in the DLD gene. It is expected to result in an absent or disrupted protein product. For these reasons, this variant has been classified as Pathogenic. Loss-of-function variants in DLD are known to be pathogenic (PMID: 8968745, 9934985). This variant has not been reported in the literature in individuals with DLD-related disease. This variant is not present in population databases (ExAC no frequency).

Literature cited by the submitters: PubMed 8968745; PubMed 9934985.

NM_000108.5(DLD):c.12G>A (p.Trp4Ter)

Gene: DLD (dihydrolipoamide dehydrogenase; plus strand). Cytogenetic location: 7q31.1.
Variant type: single nucleotide variant.
Coding change: c.12G>A on transcript NM_000108.5 (MANE Select); coding-DNA position 12, G replaced by A.
Protein change: p.Trp4Ter; replaces tryptophan 4 with a stop codon.
Molecular consequence: nonsense. On other transcripts: 5 prime UTR variant (1).
Genome position (GRCh38, 1-based): chr7:107,891,262, G>A. VCF-style: chr7-107891262-G-A. GRCh37 (hg19) VCF-style: chr7-107531707-G-A.
Other names: c.-137G>A (NM_001289750.1); c.12G>A, p.Trp4Ter (NM_001289751.1, NM_001289752.1); short protein forms W4*.
Identifiers: ClinVar variation 572549 (VCV000572549.8), dbSNP rs1562908173, ClinGen allele CA368852317.